The following is an entry in ClinVar:

ClinVar aggregate classification (germline): Uncertain significance (1 of 4 stars; one submission).

Conditions:
Glycogen storage disease due to muscle beta-enolase deficiency (GSD13). Also called: ENOLASE 3 DEFICIENCY; ENOLASE-BETA DEFICIENCY; GSD XIII; Glycogen Storage Disease Type XIII. Identifiers: Orphanet 99849, MedGen C2752027, MONDO:0013046, OMIM 612932.

Allele frequency attached by ClinVar (database versions not stated): TOPMed 0.00001; gnomAD 0.00003 and 0.00004.

Submission:

Labcorp Genetics (formerly Invitae), Labcorp
Classification: Uncertain significance for Glycogen storage disease due to muscle beta-enolase deficiency. Last evaluated: 2022-03-11. Review status: criteria provided, single submitter. Criteria: Invitae Variant Classification Sherloc (09022015). Collection method: clinical testing. Allele origin: germline.
Comment: In summary, the available evidence is currently insufficient to determine the role of this variant in disease. Therefore, it has been classified as a Variant of Uncertain Significance. Algorithms developed to predict the effect of missense changes on protein structure and function are either unavailable or do not agree on the potential impact of this missense change (SIFT: "Tolerated"; PolyPhen-2: "Probably Damaging"; Align-GVGD: "Class C0"). This variant has not been reported in the literature in individuals affected with ENO3-related conditions. This variant is not present in population databases (gnomAD no frequency). This sequence change replaces lysine, which is basic and polar, with threonine, which is neutral and polar, at codon 28 of the ENO3 protein (p.Lys28Thr).

NM_053013.4(ENO3):c.83A>C (p.Lys28Thr)

Gene: ENO3 (enolase 3; plus strand). Cytogenetic location: 17p13.2.
Variant type: single nucleotide variant.
Coding change: c.83A>C on transcript NM_053013.4 (MANE Select); coding-DNA position 83, A replaced by C.
Protein change: p.Lys28Thr; replaces lysine 28 with threonine.
Molecular consequence: missense variant.
Genome position (GRCh38, 1-based): chr17:4,951,912, A>C. VCF-style: chr17-4951912-A-C. GRCh37 (hg19) VCF-style: chr17-4855207-A-C.
Other names: c.83A>C, p.Lys28Thr (NM_001193503.2, NM_001374523.1, NM_001976.5); c.110A>C, p.Lys37Thr (NM_001374524.1); short protein forms K28T, K37T.
Identifiers: ClinVar variation 1448100 (VCV001448100.8), dbSNP rs751639631, ClinGen allele CA287172520.
Genomic context (GRCh38, chr17:4,951,912, plus strand): 5'-CCCGGGAAATCTTGGACTCCAGGGGCAACCCCACGGTGGAGGTGGACCTGCACACGGCCA[A>C]GGGTAACACAAGGCCCATTGGATAGGCTCGCCTCCGAAGACCCCAACCCTTTGGCCTTTG-3'
Protein context (NP_443739.3, residues 18-38): PTVEVDLHTA[Lys28Thr]GRFRAAVPSG